The following is an entry in ClinVar:

NM_014795.4(ZEB2):c.351T>A (p.Tyr117Ter)

Gene: ZEB2 (zinc finger E-box binding homeobox 2; minus strand). Cytogenetic location: 2q22.3.
Variant type: single nucleotide variant.
Coding change: c.351T>A on transcript NM_014795.4 (MANE Select); coding-DNA position 351, T replaced by A.
Protein change: p.Tyr117Ter; replaces tyrosine 117 with a stop codon.
Molecular consequence: nonsense. On other transcripts: intron variant (1).
Genome position (GRCh38, 1-based): chr2:144,424,848, A>T on the plus strand (T>A on the coding strand, the complement: ZEB2 is on the minus strand). VCF-style: chr2-144424848-A-T. GRCh37 (hg19) VCF-style: chr2-145182415-A-T.
Other names: c.331+4921T>A (NM_001171653.2); short protein forms Y117*.
Identifiers: ClinVar variation 567647 (VCV000567647.6), dbSNP rs1560618505, ClinGen allele CA348717482.

ClinVar aggregate classification (germline): Pathogenic (1 of 4 stars; one submission).

Conditions:
Mowat-Wilson syndrome (MOWS). Also called: Classic Mowat-Wilson Syndrome. Identifiers: Orphanet 2152, MedGen C1856113, MONDO:0009341, OMIM 235730.

Submission:

Labcorp Genetics (formerly Invitae), Labcorp
Classification: Pathogenic for Mowat-Wilson syndrome. Last evaluated: 2017-09-27. Review status: criteria provided, single submitter. Criteria: Invitae Variant Classification Sherloc (09022015). Collection method: clinical testing. Allele origin: germline.
Comment: This sequence change creates a premature translational stop signal (p.Tyr117*) in the ZEB2 gene. It is expected to result in an absent or disrupted protein product. This variant is not present in population databases (ExAC no frequency). This variant has not been reported in the literature in individuals with ZEB2-related disease. However, a different nucleotide change, c.349_350del, that results in the same premature translational stop signal (p.Tyr117*) has been reported in an individual affected with Mowat-Wilson syndrome (PMID: 17203459). Loss-of-function variants in ZEB2 are known to be pathogenic (PMID: 16053902). For these reasons, this variant has been classified as Pathogenic.

Literature cited by the submitters: PubMed 17203459; PubMed 16053902.